The following is an entry in ClinVar:

NM_000812.4(GABRB1):c.61A>G (p.Met21Val)

Gene: GABRB1 (gamma-aminobutyric acid type A receptor subunit beta1; plus strand). Cytogenetic location: 4p12.
Variant type: single nucleotide variant.
Coding change: c.61A>G on transcript NM_000812.4 (MANE Select); coding-DNA position 61, A replaced by G.
Protein change: p.Met21Val; replaces methionine 21 with valine.
Molecular consequence: missense variant.
Genome position (GRCh38, 1-based): chr4:47,031,712, A>G. VCF-style: chr4-47031712-A-G. GRCh37 (hg19) VCF-style: chr4-47033729-A-G.
Other names: short protein forms M21V.
Identifiers: ClinVar variation 2881925 (VCV002881925.3), dbSNP rs1006750775, ClinGen allele CA97228649.

ClinVar aggregate classification (germline): Uncertain significance (1 of 4 stars; one submission).

Allele frequency attached by ClinVar (database versions not stated): gnomAD exomes below 0.00001.
gnomAD v4.1: 3 of 1,613,590 alleles (0.00019%); highest among the groups gnomAD compares: Admixed American, 0.0017%; no homozygotes.

Submission:

Labcorp Genetics (formerly Invitae), Labcorp
Classification: Uncertain significance. Last evaluated: 2024-01-19. Review status: criteria provided, single submitter. Criteria: Invitae Variant Classification Sherloc (09022015). Collection method: clinical testing. Allele origin: germline.
Comment: This sequence change replaces methionine, which is neutral and non-polar, with valine, which is neutral and non-polar, at codon 21 of the GABRB1 protein (p.Met21Val). This variant is not present in population databases (gnomAD no frequency). This variant has not been reported in the literature in individuals affected with GABRB1-related conditions. Advanced modeling of protein sequence and biophysical properties (such as structural, functional, and spatial information, amino acid conservation, physicochemical variation, residue mobility, and thermodynamic stability) performed at Invitae indicates that this missense variant is not expected to disrupt GABRB1 protein function with a negative predictive value of 95%. In summary, the available evidence is currently insufficient to determine the role of this variant in disease. Therefore, it has been classified as a Variant of Uncertain Significance.